The following is an entry in ClinVar:

ClinVar aggregate classification (germline): Uncertain significance (1 of 4 stars; one submission).

Conditions:
Progressive familial heart block type IB (PFHB1B). Identifiers: Orphanet 871, MedGen C1970298, MONDO:0011474, OMIM 604559.

Submission:

Labcorp Genetics (formerly Invitae), Labcorp
Classification: Uncertain significance for Progressive familial heart block type IB. Last evaluated: 2024-02-16. Review status: criteria provided, single submitter. Criteria: Invitae Variant Classification Sherloc (09022015). Collection method: clinical testing. Allele origin: germline.
Comment: This sequence change falls in intron 7 of the TRPM4 gene. It does not directly change the encoded amino acid sequence of the TRPM4 protein. It affects a nucleotide within the consensus splice site. This variant is not present in population databases (gnomAD no frequency). This variant has not been reported in the literature in individuals affected with TRPM4-related conditions. Variants that disrupt the consensus splice site are a relatively common cause of aberrant splicing (PMID: 17576681, 9536098). Algorithms developed to predict the effect of sequence changes on RNA splicing suggest that this variant is not likely to affect RNA splicing. In summary, the available evidence is currently insufficient to determine the role of this variant in disease. Therefore, it has been classified as a Variant of Uncertain Significance.

Literature cited by the submitters: PubMed 17576681; PubMed 9536098.

NM_017636.4(TRPM4):c.858+6G>C

Gene: TRPM4 (transient receptor potential cation channel subfamily M member 4; plus strand). Cytogenetic location: 19q13.33.
Variant type: single nucleotide variant.
Coding change: c.858+6G>C on transcript NM_017636.4 (MANE Select); 6 bases into the intron after coding-DNA position 858, G replaced by C.
Molecular consequence: intron variant.
Genome position (GRCh38, 1-based): chr19:49,171,424, G>C. VCF-style: chr19-49171424-G-C. GRCh37 (hg19) VCF-style: chr19-49674681-G-C.
Other names: c.858+6G>C (NM_001195227.2); c.-696+6G>C (NM_001321282.2); c.513+6G>C (NM_001321281.2); c.336+6G>C (NM_001321283.2); c.9+6G>C (NM_001321285.2).
Identifiers: ClinVar variation 3681922 (VCV003681922.2).